The following is an entry in ClinVar:

NM_015338.6(ASXL1):c.2764G>T (p.Val922Phe)

Gene: ASXL1 (ASXL transcriptional regulator 1; plus strand). Cytogenetic location: 20q11.21.
Variant type: single nucleotide variant.
Coding change: c.2764G>T on transcript NM_015338.6 (MANE Select); coding-DNA position 2764, G replaced by T.
Protein change: p.Val922Phe; replaces valine 922 with phenylalanine.
Molecular consequence: missense variant.
Genome position (GRCh38, 1-based): chr20:32,435,476, G>T. VCF-style: chr20-32435476-G-T. GRCh37 (hg19) VCF-style: chr20-31023279-G-T.
Other names: c.2581G>T, p.Val861Phe (NM_001363734.1); short protein forms V922F, V861F.
Identifiers: ClinVar variation 4843674 (VCV004843674.1).

ClinVar aggregate classification (germline): Uncertain significance (1 of 4 stars; one submission).

Conditions:
Inborn genetic diseases. Identifiers: MedGen C0950123, MeSH D030342.

gnomAD v4.1: 1 of 1,614,078 alleles (0.000062%); highest among the groups gnomAD compares: Non-Finnish European, 0.000085%; no homozygotes.

Submission:

Ambry Genetics
Classification: Uncertain significance for Inborn genetic diseases. Last evaluated: 2026-01-13. Review status: criteria provided, single submitter. Criteria: Ambry Variant Classification Scheme 2023. Collection method: clinical testing. Allele origin: germline.
Comment: The p.V922F variant (also known as c.2764G>T), located in coding exon 13 of the ASXL1 gene, results from a G to T substitution at nucleotide position 2764. The valine at codon 922 is replaced by phenylalanine, an amino acid with highly similar properties. This amino acid position is conserved. In addition, this alteration is predicted to be tolerated by in silico analysis. Based on the available evidence, the clinical significance of this variant remains unclear.